The following is an entry in ClinVar:

NM_006915.3(RP2):c.164G>T (p.Gly55Val)

Gene: RP2 (RP2 activator of ARL3 GTPase; plus strand). Cytogenetic location: Xp11.3.
Variant type: single nucleotide variant.
Coding change: c.164G>T on transcript NM_006915.3 (MANE Select); coding-DNA position 164, G replaced by T.
Protein change: p.Gly55Val; replaces glycine 55 with valine.
Molecular consequence: missense variant.
Genome position (GRCh38, 1-based): chrX:46,853,537, G>T. VCF-style: chrX-46853537-G-T. GRCh37 (hg19) VCF-style: chrX-46712972-G-T.
Other names: short protein forms G55V.
Identifiers: ClinVar variation 2081129 (VCV002081129.4), dbSNP rs2519913806, ClinGen allele CA413038920.

ClinVar aggregate classification (germline): Uncertain significance (1 of 4 stars; one submission).

Submission:

Labcorp Genetics (formerly Invitae), Labcorp
Classification: Uncertain significance. Last evaluated: 2022-05-25. Review status: criteria provided, single submitter. Criteria: Invitae Variant Classification Sherloc (09022015). Collection method: clinical testing. Allele origin: germline.
Comment: This sequence change replaces glycine, which is neutral and non-polar, with valine, which is neutral and non-polar, at codon 55 of the RP2 protein (p.Gly55Val). This variant is not present in population databases (gnomAD no frequency). This variant has not been reported in the literature in individuals affected with RP2-related conditions. Algorithms developed to predict the effect of missense changes on protein structure and function are either unavailable or do not agree on the potential impact of this missense change (SIFT: "Deleterious"; PolyPhen-2: "Probably Damaging"; Align-GVGD: "Class C0"). In summary, the available evidence is currently insufficient to determine the role of this variant in disease. Therefore, it has been classified as a Variant of Uncertain Significance.